The following is an entry in ClinVar:

ClinVar aggregate classification (germline): Uncertain significance (1 of 4 stars; one submission).

Conditions:
Epidermolysis bullosa simplex 5B, with muscular dystrophy (EBS5B). Also called: EPIDERMOLYSIS BULLOSA SIMPLEX AND LIMB-GIRDLE MUSCULAR DYSTROPHY; Epidermolysis bullosa simplex with muscular dystrophy. Identifiers: Orphanet 257, MedGen C2931072, MONDO:0009181, OMIM 226670.
Epidermolysis bullosa simplex 5C, with pyloric atresia (EBS5C). Also called: Epidermolysis bullosa simplex with pyloric atresia; PLEC-Related Epidermolysis Bullosa with Pyloric Atresia; PLEC1-Related Epidermolysis Bullosa with Pyloric Atresia. Identifiers: Orphanet 158684, MedGen C2677349, MONDO:0012807, OMIM 612138.
Autosomal recessive limb-girdle muscular dystrophy type 2Q (LGMDR17). Also called: MUSCULAR DYSTROPHY, LIMB-GIRDLE, AUTOSOMAL RECESSIVE 17. Identifiers: Orphanet 254361, MedGen C3150989, MONDO:0013390, OMIM 613723.
Epidermolysis bullosa simplex with nail dystrophy (EBS5D). Identifiers: MedGen C4225309, MONDO:0014661, OMIM 616487.
Epidermolysis bullosa simplex, Ogna type (EBS5A). Also called: Pidermolysis bullosa simplex 5A, Ogna type; EPIDERMOLYSIS BULLOSA SIMPLEX 5A, OGNA TYPE. Identifiers: Orphanet 79401, MedGen C0432317, MONDO:0007555, OMIM 131950.

Submission:

Labcorp Genetics (formerly Invitae), Labcorp
Classification: Uncertain significance for Autosomal recessive limb-girdle muscular dystrophy type 2Q; Epidermolysis bullosa simplex, Ogna type; Epidermolysis bullosa simplex with nail dystrophy; Epidermolysis bullosa simplex 5C, with pyloric atresia; Epidermolysis bullosa simplex 5B, with muscular dystrophy. Last evaluated: 2020-07-13. Review status: criteria provided, single submitter. Criteria: Invitae Variant Classification Sherloc (09022015). Collection method: clinical testing. Allele origin: germline.
Comment: Algorithms developed to predict the effect of missense changes on protein structure and function are either unavailable or do not agree on the potential impact of this missense change (SIFT: "Deleterious"; PolyPhen-2: "Not Available"; Align-GVGD: "Class C65"). This variant has not been reported in the literature in individuals with PLEC-related conditions. This variant is not present in population databases (ExAC no frequency). This sequence change replaces arginine with leucine at codon 717 of the PLEC protein (p.Arg717Leu). The arginine residue is highly conserved and there is a moderate physicochemical difference between arginine and leucine. In summary, the available evidence is currently insufficient to determine the role of this variant in disease. Therefore, it has been classified as a Variant of Uncertain Significance.

NM_201384.3(PLEC):c.2069G>T (p.Arg690Leu)

Gene: PLEC (plectin; minus strand). Cytogenetic location: 8q24.3.
Variant type: single nucleotide variant.
Coding change: c.2069G>T on transcript NM_201384.3 (MANE Select); coding-DNA position 2069, G replaced by T.
Protein change: p.Arg690Leu; replaces arginine 690 with leucine.
Molecular consequence: missense variant.
Genome position (GRCh38, 1-based): chr8:143,932,143, C>A on the plus strand (G>T on the coding strand, the complement: PLEC is on the minus strand). VCF-style: chr8-143932143-C-A. GRCh37 (hg19) VCF-style: chr8-145006311-C-A.
Other names: c.2150G>T, p.Arg717Leu (NM_000445.5); c.2027G>T, p.Arg676Leu (NM_201378.4); c.2003G>T, p.Arg668Leu (NM_201379.3); c.2480G>T, p.Arg827Leu (NM_201380.4); c.1973G>T, p.Arg658Leu (NM_201381.3); c.2069G>T, p.Arg690Leu (NM_201382.4); c.2081G>T, p.Arg694Leu (NM_201383.3); short protein forms R658L, R668L, R676L, R690L, R827L, R694L, R717L.
Identifiers: ClinVar variation 1040428 (VCV001040428.5), dbSNP rs781917708, ClinGen allele CA372577236.